The following is an entry in ClinVar:

ClinVar aggregate classification (germline): Benign/Likely benign. Review status: criteria provided, single submitter (1 of 4 stars). 2 submissions from 1 submitter: Benign (1); Likely benign (1). Last evaluated 2018-01-13.

Conditions:
Deficiency of steroid 11-beta-monooxygenase (CYP11B1). Also called: ADRENAL HYPERPLASIA, CONGENITAL, DUE TO STEROID 11-BETA-HYDROXYLASE DEFICIENCY; 11-BETA-HYDROXYLASE DEFICIENCY; ADRENAL HYPERPLASIA IV; P450C11B1 DEFICIENCY; STEROID 11-BETA-HYDROXYLASE DEFICIENCY; Congenital adrenal hyperplasia due to 11-beta-hydroxylase deficiency. Identifiers: Orphanet 90795, MedGen C0268292, MONDO:0008729, OMIM 202010. Disease mechanism: loss of function.
Glucocorticoid-remediable aldosteronism. Also called: Hyperaldosteronism, familial, type I; ACTH-DEPENDENT HYPERALDOSTERONISM SYNDROME; ALDOSTERONISM, SENSITIVE TO DEXAMETHASONE; FH I; GLUCOCORTICOID-SUPPRESSIBLE HYPERALDOSTERONISM. Identifiers: Orphanet 403, MedGen C3838731, MONDO:0007080, OMIM 103900.

Allele frequency attached by ClinVar (database versions not stated): 1000 Genomes Project 0.00739; gnomAD 0.00818 and 0.00880; 1000 Genomes Project 30x 0.00890; TOPMed 0.00904.

Submissions (2):

Illumina Laboratory Services, Illumina
Classification: Benign for Glucocorticoid-remediable aldosteronism. Last evaluated: 2018-01-13. Review status: criteria provided, single submitter. Criteria: ICSL Variant Classification Criteria 13 December 2019. Collection method: clinical testing. Allele origin: germline.
Comment: This variant was observed in the ICSL laboratory as part of a predisposition screen in an ostensibly healthy population. It had not been previously curated by ICSL or reported in the Human Gene Mutation Database (HGMD: prior to June 1st, 2018), and was therefore a candidate for classification through an automated scoring system. Utilizing variant allele frequency, disease prevalence and penetrance estimates, and inheritance mode, an automated score was calculated to assess if this variant is too frequent to cause the disease. Based on the score and internal cut-off values, a variant classified as benign is not then subjected to further curation. The score for this variant resulted in a classification of benign for this disease.

Illumina Laboratory Services, Illumina
Classification: Likely benign for Deficiency of steroid 11-beta-monooxygenase. Last evaluated: 2018-01-13. Review status: criteria provided, single submitter. Criteria: ICSL Variant Classification Criteria 13 December 2019. Collection method: clinical testing. Allele origin: germline.
Comment: This variant was observed in the ICSL laboratory as part of a predisposition screen in an ostensibly healthy population. It had not been previously curated by ICSL or reported in the Human Gene Mutation Database (HGMD: prior to June 1st, 2018), and was therefore a candidate for classification through an automated scoring system. Utilizing variant allele frequency, disease prevalence and penetrance estimates, and inheritance mode, an automated score was calculated to assess if this variant is too frequent to cause the disease. Based on the score and internal cut-off values, a variant classified as likely benign is not then subjected to further curation. The score for this variant resulted in a classification of likely benign for this disease.

NM_000497.4(CYP11B1):c.*1512G>A

Gene: CYP11B1 (cytochrome P450 family 11 subfamily B member 1; minus strand). Cytogenetic location: 8q24.3.
Variant type: single nucleotide variant.
Coding change: c.*1512G>A on transcript NM_000497.4 (MANE Select); 1512 bases downstream of the stop codon, G replaced by A.
Molecular consequence: 3 prime UTR variant.
Genome position (GRCh38, 1-based): chr8:142,872,861, C>T on the plus strand (G>A on the coding strand, the complement: CYP11B1 is on the minus strand). VCF-style: chr8-142872861-C-T. GRCh37 (hg19) VCF-style: chr8-143954277-C-T.
Other names: c.*1512G>A (NM_001026213.1).
Identifiers: ClinVar variation 362110 (VCV000362110.5), dbSNP rs61752814, ClinGen allele CA10630431.